The following is an entry in ClinVar:

NM_005267.5(GJA8):c.166A>C (p.Thr56Pro)

Gene: GJA8 (gap junction protein alpha 8; plus strand). Cytogenetic location: 1q21.2.
Variant type: single nucleotide variant.
Coding change: c.166A>C on transcript NM_005267.5 (MANE Select); coding-DNA position 166, A replaced by C.
Protein change: p.Thr56Pro; replaces threonine 56 with proline.
Molecular consequence: missense variant.
Genome position (GRCh38, 1-based): chr1:147,908,121, A>C. VCF-style: chr1-147908121-A-C. GRCh37 (hg19) VCF-style: chr1-147380248-A-C.
Other names: short protein forms T56P.
Identifiers: ClinVar variation 3253716 (VCV003253716.1), dbSNP rs1571175899.

ClinVar aggregate classification (germline): Likely pathogenic (1 of 4 stars; one submission).

Conditions:
Cataract 1 multiple types. Also called: CATARACT, DUFFY-LINKED; CATARACT 1, POSTERIOR SUBCAPSULAR, WITH MICROCORNEA; CATARACT 1, STELLATE NUCLEAR, WITH MICROCORNEA; CATARACT 1, MULTIPLE TYPES, WITH OR WITHOUT MICROCORNEA; CATARACT 1, NUCLEAR PROGRESSIVE; CATARACT 1 WITH MICROCORNEA. Identifiers: Orphanet 1377, MedGen C1861828, MONDO:0007285, OMIM 116200.

Submission:

Dept. Genetics and Cancer, Menzies Institute for Medical Research, University of Tasmania
Classification: Likely pathogenic for Cataract 1 multiple types. Last evaluated: 2023-01-21. Review status: criteria provided, single submitter. Criteria: ACMG Guidelines, 2015. Collection method: curation. Allele origin: germline. Affected: yes.
Comment: Variant identified and curated during a GJA8 specific review of the literature in relation to pediatric or congenital cataract. ACMG-AMP criteria applied: PP1(Strong), PM1(Supporting), PM2(Supporting), PP3. Original variant report: PMID:30373400. The cataract phenotype reported for this variant is: Nuclear. Gene review and curation guidelines are outlined in: DOI 10.1080/17469899.2023.2160320

Literature cited by the submitters: PubMed 30373400.